The following is an entry in ClinVar:

ClinVar aggregate classification (germline): Pathogenic. Review status: criteria provided, multiple submitters, no conflicts (2 of 4 stars). 5 submissions from 5 submitters: Pathogenic (4). 1 of the submissions does not count toward it. Last evaluated 2025-09-23.

Conditions:
TULP1-related disorder. Also called: TULP1-related condition; TULP1-related disorders.
Leber congenital amaurosis 15 (LCA15). Identifiers: Orphanet 65, MedGen C3151206, MONDO:0013457, OMIM 613843.
Retinitis pigmentosa 14 (RP14). Also called: RETINITIS PIGMENTOSA, JUVENILE, TULP1-RELATED. Identifiers: Orphanet 791, MedGen C1838603, MONDO:0010827, OMIM 600132.

Allele frequency attached by ClinVar (database versions not stated): gnomAD exomes below 0.00001 and 0.00001; gnomAD 0.00001; 1000 Genomes Project 30x 0.00016; 1000 Genomes Project 0.00020.
gnomAD v4.1: 6 of 1,614,116 alleles (0.00037%); highest among the groups gnomAD compares: Admixed American, 0.0033%; no homozygotes.

Submissions (5):

PreventionGenetics, part of Exact Sciences
Classification: Pathogenic for TULP1-related condition. Last evaluated: 2025-09-23. Review status: criteria provided, single submitter. Criteria: ACMG Guidelines, 2015. Collection method: clinical testing. Allele origin: germline.
Comment: The TULP1 c.1445G>A variant is predicted to result in the amino acid substitution p.Arg482Gln. This variant has been reported in the compound heterozygous state, with a frameshift variant in the gene, in five affected individuals from a family with autosomal recessive early-onset retinitis pigmentosa; the variants segregated with disease (den Hollander et al. 2007. PubMed ID: 17620573). This variant is reported in 0.00088% of alleles in individuals of European (Non-Finnish) descent in gnomAD. This variant is interpreted as pathogenic.

Labcorp Genetics (formerly Invitae), Labcorp
Classification: Pathogenic. Last evaluated: 2023-10-04. Review status: criteria provided, single submitter. Criteria: Invitae Variant Classification Sherloc (09022015). Collection method: clinical testing. Allele origin: germline.
Comment: This sequence change replaces arginine, which is basic and polar, with glutamine, which is neutral and polar, at codon 482 of the TULP1 protein (p.Arg482Gln). This variant is present in population databases (rs146311742, gnomAD 0.0009%). This missense change has been observed in individuals with autosomal recessive retinitis pigmentosa (PMID: 22665969, 30950243). It has also been observed to segregate with disease in related individuals. ClinVar contains an entry for this variant (Variation ID: 977980). Advanced modeling of protein sequence and biophysical properties (such as structural, functional, and spatial information, amino acid conservation, physicochemical variation, residue mobility, and thermodynamic stability) performed at Invitae indicates that this missense variant is expected to disrupt TULP1 protein function. For these reasons, this variant has been classified as Pathogenic.

Blueprint Genetics
Classification: Pathogenic for TULP1-related disorders. Last evaluated: 2022-07-08. Review status: criteria provided, single submitter. Criteria: ACMG Guidelines, 2015. Collection method: clinical testing. Allele origin: germline. Affected: yes. Observed: 5 variant alleles.

3billion
Classification: Pathogenic for Retinitis pigmentosa 14. Last evaluated: 2022-01-03. Review status: criteria provided, single submitter. Criteria: ACMG Guidelines, 2015. Collection method: clinical testing. Allele origin: germline. Affected: yes. Observed: 1 homozygote.
Comment: Same nucleotide change resulting in same amino acid change has been previously reported to be associated with TULP1 related disorder (ClinVar ID: VCV000977980, PMID:22665969, PS1_P). The variant has been reported to be in trans as homozygous in at least one similarly affected unrelated individual (PMID: 22665969,PM3_P). It was co-segregated with Retinitis pigmentosa 14 in multiple affected family members with additional meioses meeting strong evidence levels (PMID: 22665969, 30950243) (PP1_S). A different missense change at the same codon has been reported as pathogenic/likely pathogenic with strong evidence (ClinVar ID: VCV000007363, PMID:17620573, PM5_M). In silico tool predictions suggest damaging effect of the variant on gene or gene product (REVEL: 0.942, PP3_P). It is observed at an extremely low frequency in the gnomAD v2.1.1 dataset (total allele frequency: 0.000004, PM2_M). Therefore, this variant is classified as pathogenic according to the recommendation of ACMG/AMP guideline.

Laboratory of Genetics in Ophthalmology, Institut Imagine
Classification: Likely pathogenic for Leber congenital amaurosis 15. Review status: no assertion criteria provided. Collection method: research. Allele origin: inherited. Affected: yes. Observed: 1 variant allele. Not counted in ClinVar's aggregate classification.

Literature cited by the submitters: PubMed 22665969 (cited by 3 submitters); PubMed 30950243 (cited by Labcorp Genetics (formerly Invitae), Labcorp and 3billion); PubMed 17620573 (cited by 3billion).

NM_003322.6(TULP1):c.1445G>A (p.Arg482Gln)

Gene: TULP1 (TUB like protein 1; minus strand). Cytogenetic location: 6p21.31.
Variant type: single nucleotide variant.
Coding change: c.1445G>A on transcript NM_003322.6 (MANE Select); coding-DNA position 1445, G replaced by A.
Protein change: p.Arg482Gln; replaces arginine 482 with glutamine.
Molecular consequence: missense variant.
Genome position (GRCh38, 1-based): chr6:35,500,031, C>T on the plus strand (G>A on the coding strand, the complement: TULP1 is on the minus strand). VCF-style: chr6-35500031-C-T. GRCh37 (hg19) VCF-style: chr6-35467808-C-T.
Other names: c.1286G>A, p.Arg429Gln (NM_001289395.2); short protein forms R429Q, R482Q.
Identifiers: ClinVar variation 977980 (VCV000977980.11), dbSNP rs146311742, ClinGen allele CA137278071.